The following is an entry in ClinVar:

NM_005618.4(DLL1):c.601del (p.His201fs)

Gene: DLL1 (delta like canonical Notch ligand 1; minus strand). Cytogenetic location: 6q27.
Variant type: Deletion.
Coding change: c.601del on transcript NM_005618.4 (MANE Select); coding-DNA position 601, one base deleted (C; older notation c.601delC).
Protein change: p.His201fs; shifts the reading frame from histidine 201.
Molecular consequence: frameshift variant.
Genome position (GRCh38, 1-based): chr6:170,288,308, G deleted on the plus strand (C on the coding strand, the reverse complement: DLL1 is on the minus strand); the first of 2 consecutive G bases (chr6:170,288,308-170,288,309); deleting either gives the same sequence. VCF-style (leftmost placement, unchanged base first): chr6-170288307-TG-T. GRCh37 (hg19) VCF-style: chr6-170597395-TG-T.
Other names: short protein forms H201fs.
Identifiers: ClinVar variation 985102 (VCV000985102.4), dbSNP rs1783752911, ClinGen allele CA1139659948.

ClinVar aggregate classification (germline): Pathogenic (1 of 4 stars; one submission).

Conditions:
Inborn genetic diseases. Identifiers: MedGen C0950123, MeSH D030342.

Submission:

Ambry Genetics
Classification: Pathogenic for Inborn genetic diseases. Last evaluated: 2020-04-27. Review status: criteria provided, single submitter. Criteria: Ambry Variant Classification Scheme 2023. Collection method: clinical testing. Allele origin: germline.
Comment: The alteration results in a premature stop codon: _x000D_ _x000D_ The c.601delC (p.H201Tfs*89) alteration, located in coding exon 4 of the DLL1 gene, results from a deletion of one nucleotide at position 601, causing a translational frameshift with a predicted alternate stop codon after 89 amino acids. This alteration is expected to result in loss of function by premature protein truncation or nonsense-mediated mRNA decay. Based on the available evidence, this alteration is classified as pathogenic.